The following is an entry in ClinVar:

ClinVar aggregate classification (germline): Uncertain significance (1 of 4 stars; one submission).

Conditions:
LAMA2-related muscular dystrophy (LAMA2-RD). Also called: Laminin alpha 2-related dystrophy. Identifiers: MedGen C5679788, MONDO:0100228.

gnomAD v4.1: 8 of 1,595,868 alleles (0.0005%); highest among the groups gnomAD compares: Non-Finnish European, 0.00069%; no homozygotes.

Submission:

Labcorp Genetics (formerly Invitae), Labcorp
Classification: Uncertain significance for LAMA2-related muscular dystrophy. Last evaluated: 2022-06-11. Review status: criteria provided, single submitter. Criteria: Invitae Variant Classification Sherloc (09022015). Collection method: clinical testing. Allele origin: germline.
Comment: In summary, the available evidence is currently insufficient to determine the role of this variant in disease. Therefore, it has been classified as a Variant of Uncertain Significance. Advanced modeling of protein sequence and biophysical properties (such as structural, functional, and spatial information, amino acid conservation, physicochemical variation, residue mobility, and thermodynamic stability) performed at Invitae indicates that this missense variant is not expected to disrupt LAMA2 protein function. This variant has not been reported in the literature in individuals affected with LAMA2-related conditions. This variant is present in population databases (rs759946630, gnomAD 0.0009%). This sequence change replaces valine, which is neutral and non-polar, with leucine, which is neutral and non-polar, at codon 2439 of the LAMA2 protein (p.Val2439Leu).

NM_000426.4(LAMA2):c.7315G>T (p.Val2439Leu)

Gene: LAMA2 (laminin subunit alpha 2; plus strand). Cytogenetic location: 6q22.33.
Variant type: single nucleotide variant.
Coding change: c.7315G>T on transcript NM_000426.4 (MANE Select); coding-DNA position 7315, G replaced by T.
Protein change: p.Val2439Leu; replaces valine 2439 with leucine.
Molecular consequence: missense variant.
Genome position (GRCh38, 1-based): chr6:129,473,228, G>T. VCF-style: chr6-129473228-G-T. GRCh37 (hg19) VCF-style: chr6-129794373-G-T.
Other names: c.7315G>T, p.Val2439Leu (NM_001079823.2); short protein forms V2439L.
Identifiers: ClinVar variation 2004865 (VCV002004865.4), dbSNP rs759946630, ClinGen allele CA3994515.
Genomic context (GRCh38, chr6:129,473,228, plus strand): 5'-TTGATATTGCTCAAATAAAATGTTAAACTTTCTTTCTCCTTTACAGCCAATATATCAATT[G>T]TAGATATAGATACTAATCAGGAGGAGAATATAGCAACTTCGTCTTCTGGAAACAACTTTG-3'
Protein context (NP_000417.3, residues 2429-2449): RIQKQANISI[Val2439Leu]DIDTNQEENI